The following is an entry in ClinVar:

ClinVar aggregate classification (germline): Uncertain significance. Review status: criteria provided, multiple submitters, no conflicts (2 of 4 stars). 4 submissions from 4 submitters: Uncertain significance (4). Last evaluated 2025-03-22.

Conditions:
Hereditary cancer-predisposing syndrome. Also called: Hereditary Cancer Syndrome; Hereditary neoplastic syndrome; Tumor predisposition; Neoplastic Syndromes, Hereditary. Identifiers: Orphanet 140162, MedGen C0027672, MeSH D009386, MONDO:0015356.
Tuberous sclerosis 1 (TSC1). Identifiers: Orphanet 805, MedGen C1854465, MONDO:0008612, OMIM 191100.
Tuberous sclerosis syndrome (TSC). Also called: Tuberous Sclerosis Complex; Tuberous sclerosis. Identifiers: Orphanet 805, MedGen C0041341, MONDO:0001734.

Submissions (4):

Ambry Genetics
Classification: Uncertain significance for Hereditary cancer-predisposing syndrome. Last evaluated: 2025-03-22. Review status: criteria provided, single submitter. Criteria: Ambry Variant Classification Scheme 2023. Collection method: clinical testing. Allele origin: germline.
Comment: The p.H776N variant (also known as c.2326C>A), located in coding exon 16 of the TSC1 gene, results from a C to A substitution at nucleotide position 2326. The histidine at codon 776 is replaced by asparagine, an amino acid with similar properties. This amino acid position is conserved. In addition, the in silico prediction for this alteration is inconclusive. Based on the available evidence, the clinical significance of this variant remains unclear.

GeneDx
Classification: Uncertain significance. Last evaluated: 2024-08-26. Review status: criteria provided, single submitter. Criteria: GeneDx Variant Classification Process June 2021. Collection method: clinical testing. Allele origin: germline. Affected: yes.
Comment: Not observed at significant frequency in large population cohorts (gnomAD); In silico analysis indicates that this missense variant does not alter protein structure/function; Has not been previously published as pathogenic or benign to our knowledge; This variant is associated with the following publications: (PMID: 18466115)

Labcorp Genetics (formerly Invitae), Labcorp
Classification: Uncertain significance for Tuberous sclerosis 1. Last evaluated: 2023-05-03. Review status: criteria provided, single submitter. Criteria: Invitae Variant Classification Sherloc (09022015). Collection method: clinical testing. Allele origin: germline.
Comment: This variant is not present in population databases (gnomAD no frequency). This sequence change replaces histidine, which is basic and polar, with asparagine, which is neutral and polar, at codon 776 of the TSC1 protein (p.His776Asn). This variant has not been reported in the literature in individuals affected with TSC1-related conditions. Advanced modeling of protein sequence and biophysical properties (such as structural, functional, and spatial information, amino acid conservation, physicochemical variation, residue mobility, and thermodynamic stability) performed at Invitae indicates that this missense variant is not expected to disrupt TSC1 protein function. In summary, the available evidence is currently insufficient to determine the role of this variant in disease. Therefore, it has been classified as a Variant of Uncertain Significance.

All of Us Research Program, National Institutes of Health
Classification: Uncertain significance for Tuberous sclerosis syndrome. Last evaluated: 2023-03-28. Review status: criteria provided, single submitter. Criteria: ACMG Guidelines, 2015. Collection method: clinical testing. Allele origin: germline. Inheritance: Autosomal dominant inheritance. Observed: 1 variant allele, 1 heterozygote.
Comment: This study involves interpretation of variants in research participants for the purpose of population health screening. Participant phenotype was not available at the time of variant classification. Additional details can be found in publication PMID: 35346344, PMCID: PMC8962531

NM_000368.5(TSC1):c.2326C>A (p.His776Asn)

Gene: TSC1 (TSC complex subunit 1; minus strand). Cytogenetic location: 9q34.13.
Variant type: single nucleotide variant.
Coding change: c.2326C>A on transcript NM_000368.5 (MANE Select); coding-DNA position 2326, C replaced by A.
Protein change: p.His776Asn; replaces histidine 776 with asparagine.
Molecular consequence: missense variant. On other transcripts: non-coding transcript variant (5).
Genome position (GRCh38, 1-based): chr9:132,902,670, G>T on the plus strand (C>A on the coding strand, the complement: TSC1 is on the minus strand). VCF-style: chr9-132902670-G-T. GRCh37 (hg19) VCF-style: chr9-135778057-G-T.
Other names: c.2326C>A, p.His776Asn (NM_001406594.1, NM_001406605.1, NM_001406606.1 and 5 more transcripts); c.2308C>A, p.His770Asn (NM_001406603.1, NM_001406604.1); c.2323C>A, p.His775Asn (NM_001406608.1, NM_001406609.1, NM_001406597.1 and 4 more transcripts); c.2173C>A, p.His725Asn (NM_001406610.1, NM_001162427.2); c.2170C>A, p.His724Asn (NM_001406611.1, NM_001406612.1, NM_001406613.1); c.2311C>A, p.His771Asn (NM_001406601.1, NM_001406602.1); c.1963C>A, p.His655Asn (NM_001406614.1, NM_001406615.1, NM_001406616.1 and 5 more transcripts); c.1960C>A, p.His654Asn (NM_001406620.1, NM_001406621.1, NM_001406622.1 and 2 more transcripts); and 3 more; short protein forms H654N, H770N, H425N, H776N, H724N, H725N, H771N, H458N.
Identifiers: ClinVar variation 2782091 (VCV002782091.6), dbSNP rs2131732766, ClinGen allele CA375359510.